The following is an entry in ClinVar:

ClinVar aggregate classification (germline): Likely benign (0 of 4 stars; one submission).

Conditions:
PLXNA4-related disorder. Also called: PLXNA4-related condition.

Allele frequency attached by ClinVar (database versions not stated): gnomAD 0.00001; ExAC 0.00002; gnomAD exomes 0.00002.
gnomAD v4.1: 31 of 1,614,168 alleles (0.0019%); highest among the groups gnomAD compares: Middle Eastern, 0.016%; no homozygotes.

Submission:

PreventionGenetics, part of Exact Sciences
Classification: Likely benign for PLXNA4-related condition. Last evaluated: 2021-07-02. Review status: no assertion criteria provided. Collection method: clinical testing. Allele origin: germline.
Comment: This variant is classified as likely benign based on ACMG/AMP sequence variant interpretation guidelines (Richards et al. 2015 PMID: 25741868, with internal and published modifications).

NM_020911.2(PLXNA4):c.498C>T (p.Ser166=)

Gene: PLXNA4 (plexin A4; minus strand). Cytogenetic location: 7q32.3.
Variant type: single nucleotide variant.
Coding change: c.498C>T on transcript NM_020911.2 (MANE Select); coding-DNA position 498, C replaced by T.
Protein change: p.Ser166=; no amino-acid change (serine 166 retained).
Molecular consequence: synonymous variant.
Genome position (GRCh38, 1-based): chr7:132,508,196, G>A on the plus strand (C>T on the coding strand, the complement: PLXNA4 is on the minus strand). VCF-style: chr7-132508196-G-A. GRCh37 (hg19) VCF-style: chr7-132192955-G-A.
Other names: c.498C>T, p.Ser166= (NM_001105543.2, NM_001393897.1, NM_181775.4).
Identifiers: ClinVar variation 3029690 (VCV003029690.2), dbSNP rs550156173, ClinGen allele CA4490491.